The following is an entry in ClinVar:

ClinVar aggregate classification (germline): Uncertain significance (1 of 4 stars; one submission).

Conditions:
Hyperkalemic periodic paralysis. Also called: Familial hyperkalemic periodic paralysis; Gamstorp disease. Identifiers: Orphanet 682, MedGen C0238357, MONDO:0008224, OMIM 170500, HP:0007215.

Submission:

Labcorp Genetics (formerly Invitae), Labcorp
Classification: Uncertain significance for Hyperkalemic periodic paralysis. Last evaluated: 2022-06-04. Review status: criteria provided, single submitter. Criteria: Invitae Variant Classification Sherloc (09022015). Collection method: clinical testing. Allele origin: germline.
Comment: This sequence change replaces isoleucine, which is neutral and non-polar, with valine, which is neutral and non-polar, at codon 530 of the SCN4A protein (p.Ile530Val). This variant is not present in population databases (gnomAD no frequency). This variant has not been reported in the literature in individuals affected with SCN4A-related conditions. Algorithms developed to predict the effect of missense changes on protein structure and function output the following: SIFT: "Deleterious"; PolyPhen-2: "Benign"; Align-GVGD: "Class C15". The valine amino acid residue is found in multiple mammalian species, which suggests that this missense change does not adversely affect protein function. In summary, the available evidence is currently insufficient to determine the role of this variant in disease. Therefore, it has been classified as a Variant of Uncertain Significance.

NM_000334.4(SCN4A):c.1588A>G (p.Ile530Val)

Gene: SCN4A (sodium voltage-gated channel alpha subunit 4; minus strand). Cytogenetic location: 17q23.3.
Variant type: single nucleotide variant.
Coding change: c.1588A>G on transcript NM_000334.4 (MANE Select); coding-DNA position 1588, A replaced by G.
Protein change: p.Ile530Val; replaces isoleucine 530 with valine.
Molecular consequence: missense variant.
Genome position (GRCh38, 1-based): chr17:63,963,690, T>C on the plus strand (A>G on the coding strand, the complement: SCN4A is on the minus strand). VCF-style: chr17-63963690-T-C. GRCh37 (hg19) VCF-style: chr17-62041050-T-C.
Other names: short protein forms I530V.
Identifiers: ClinVar variation 1986707 (VCV001986707.4), dbSNP rs2509314028, ClinGen allele CA400634442.